The following is an entry in ClinVar:

ClinVar aggregate classification (germline): Likely benign. Review status: criteria provided, multiple submitters, no conflicts (2 of 4 stars). 5 submissions from 5 submitters: Likely benign (5). Last evaluated 2026-05-01.

Conditions:
Inborn genetic diseases. Identifiers: MedGen C0950123, MeSH D030342.
Developmental and epileptic encephalopathy, 33 (DEE33). Also called: Epileptic encephalopathy, early infantile, 33. Identifiers: Orphanet 442835, MedGen C4225337, MONDO:0014625, OMIM 616409.

Allele frequency attached by ClinVar (database versions not stated): gnomAD exomes 0.00006 and 0.00014; ExAC 0.00015; ESP Exome Variant Server 0.00023; TOPMed 0.00024; gnomAD 0.00025 and 0.00027; 1000 Genomes Project 30x 0.00062; 1000 Genomes Project 0.00080.
gnomAD v4.1: 125 of 1,607,034 alleles (0.0078%); highest among the groups gnomAD compares: African/African-American, 0.067%; no homozygotes.

Submissions (5):

CeGaT Center for Human Genetics Tuebingen
Classification: Likely benign. Last evaluated: 2026-05-01. Review status: criteria provided, single submitter. Criteria: CeGaT Center For Human Genetics Tuebingen Variant Classification Criteria Version 2. Collection method: clinical testing. Allele origin: germline. Affected: yes. Observed: 3 variant alleles.
Comment: EEF1A2: BP4, BP7

Labcorp Genetics (formerly Invitae), Labcorp
Classification: Likely benign for Developmental and epileptic encephalopathy, 33. Last evaluated: 2026-01-28. Review status: criteria provided, single submitter. Criteria: Invitae Variant Classification Sherloc (09022015). Collection method: clinical testing. Allele origin: germline.

Blueprint Genetics
Classification: Likely benign. Last evaluated: 2024-07-15. Review status: criteria provided, single submitter. Criteria: ACMG Guidelines, 2015. Collection method: clinical testing. Allele origin: germline.

GeneDx
Classification: Likely benign. Last evaluated: 2016-09-29. Review status: criteria provided, single submitter. Criteria: GeneDx Variant Classification (06012015). Collection method: clinical testing. Allele origin: germline. Affected: yes.
Comment: This variant is considered likely benign or benign based on one or more of the following criteria: it is a conservative change, it occurs at a poorly conserved position in the protein, it is predicted to be benign by multiple in silico algorithms, and/or has population frequency not consistent with disease.

Ambry Genetics
Classification: Likely benign for Inborn genetic diseases. Last evaluated: 2016-07-18. Review status: criteria provided, single submitter. Criteria: Ambry Variant Classification Scheme 2023. Collection method: clinical testing. Allele origin: germline.

NM_001958.5(EEF1A2):c.807C>T (p.Thr269=)

Gene: EEF1A2 (eukaryotic translation elongation factor 1 alpha 2; minus strand). Cytogenetic location: 20q13.33.
Variant type: single nucleotide variant.
Coding change: c.807C>T on transcript NM_001958.5 (MANE Select); coding-DNA position 807, C replaced by T.
Protein change: p.Thr269=; no amino-acid change (threonine 269 retained).
Molecular consequence: synonymous variant.
Genome position (GRCh38, 1-based): chr20:63,490,701, G>A on the plus strand (C>T on the coding strand, the complement: EEF1A2 is on the minus strand). VCF-style: chr20-63490701-G-A. GRCh37 (hg19) VCF-style: chr20-62122054-G-A.
Identifiers: ClinVar variation 389713 (VCV000389713.39), dbSNP rs147062680, ClinGen allele CA9959017.